The following is an entry in ClinVar:

NM_000255.4(MMUT):c.322C>G (p.Arg108Gly)

Gene: MMUT (methylmalonyl-CoA mutase; minus strand). Cytogenetic location: 6p12.3.
Variant type: single nucleotide variant.
Coding change: c.322C>G on transcript NM_000255.4 (MANE Select); coding-DNA position 322, C replaced by G.
Protein change: p.Arg108Gly; replaces arginine 108 with glycine.
Molecular consequence: missense variant.
Genome position (GRCh38, 1-based): chr6:49,459,145, G>C on the plus strand (C>G on the coding strand, the complement: MMUT is on the minus strand). VCF-style: chr6-49459145-G-C. GRCh37 (hg19) VCF-style: chr6-49426858-G-C.
Other names: short protein forms R108G.
Identifiers: ClinVar variation 1499832 (VCV001499832.8), dbSNP rs121918257, ClinGen allele CA364404999.

ClinVar aggregate classification (germline): Likely pathogenic (1 of 4 stars; one submission).

gnomAD v4.1: 1 of 1,614,052 alleles (0.000062%); highest among the groups gnomAD compares: Non-Finnish European, 0.000085%; no homozygotes.

Submission:

Labcorp Genetics (formerly Invitae), Labcorp
Classification: Likely pathogenic. Last evaluated: 2020-12-31. Review status: criteria provided, single submitter. Criteria: Invitae Variant Classification Sherloc (09022015). Collection method: clinical testing. Allele origin: germline.
Comment: This variant has been observed in individual(s) with methylmalonic aciduria (PMID: 16281286, 23430940). In summary, the currently available evidence indicates that the variant is pathogenic, but additional data are needed to prove that conclusively. Therefore, this variant has been classified as Likely Pathogenic. This variant disrupts the p.Arg108 amino acid residue in MUT. Other variant(s) that disrupt this residue have been determined to be pathogenic (PMID: 16281286, 24464670, 27578510, 11528502). This suggests that this residue is clinically significant, and that variants that disrupt this residue are likely to be disease-causing. Algorithms developed to predict the effect of missense changes on protein structure and function are either unavailable or do not agree on the potential impact of this missense change (SIFT: "Deleterious"; PolyPhen-2: "Probably Damaging"; Align-GVGD: "Class C0"). This variant is not present in population databases (ExAC no frequency). This sequence change replaces arginine with glycine at codon 108 of the MUT protein (p.Arg108Gly). The arginine residue is highly conserved and there is a moderate physicochemical difference between arginine and glycine.

Literature cited by the submitters: PubMed 16281286; PubMed 23430940; PubMed 24464670; PubMed 27578510; PubMed 11528502.